The following is an entry in ClinVar:

NM_012463.4(ATP6V0A2):c.1370T>C (p.Met457Thr)

Gene: ATP6V0A2 (ATPase H+ transporting V0 subunit a2; plus strand). Cytogenetic location: 12q24.31.
Variant type: single nucleotide variant.
Coding change: c.1370T>C on transcript NM_012463.4 (MANE Select); coding-DNA position 1370, T replaced by C.
Protein change: p.Met457Thr; replaces methionine 457 with threonine.
Molecular consequence: missense variant.
Genome position (GRCh38, 1-based): chr12:123,744,640, T>C. VCF-style: chr12-123744640-T-C. GRCh37 (hg19) VCF-style: chr12-124229187-T-C.
Other names: short protein forms M457T.
Identifiers: ClinVar variation 1934084 (VCV001934084.5), dbSNP rs940156413, ClinGen allele CA245200688.
Genomic context (GRCh38, chr12:123,744,640, plus strand): 5'-CGCCTTGCCCTTCACAGATCATGAGGATGTTTTTTAATGGCCGGTACATCCTCCTGCTGA[T>C]GGGGCTGTTCTCAGTGTACACTGGCCTCATCTACAACGACTGCTTTTCAAAGTCAGTCAA-3'
Protein context (NP_036595.2, residues 447-467): FFNGRYILLL[Met457Thr]GLFSVYTGLI

ClinVar aggregate classification (germline): Uncertain significance (1 of 4 stars; one submission).

Conditions:
ALG9 congenital disorder of glycosylation (CDG1L). Also called: CDG Il; CONGENITAL DISORDER OF GLYCOSYLATION, TYPE Il; ALG9-CDG. Identifiers: Orphanet 79328, MedGen C2931006, MONDO:0012117, OMIM 608776.

Allele frequency attached by ClinVar (database versions not stated): gnomAD exomes below 0.00001.
gnomAD v4.1: 2 of 1,613,824 alleles (0.00012%); highest among the groups gnomAD compares: Non-Finnish European, 0.00017%; no homozygotes.

Submission:

Labcorp Genetics (formerly Invitae), Labcorp
Classification: Uncertain significance for ALG9 congenital disorder of glycosylation. Last evaluated: 2022-07-25. Review status: criteria provided, single submitter. Criteria: Invitae Variant Classification Sherloc (09022015). Collection method: clinical testing. Allele origin: germline.
Comment: In summary, the available evidence is currently insufficient to determine the role of this variant in disease. Therefore, it has been classified as a Variant of Uncertain Significance. Algorithms developed to predict the effect of missense changes on protein structure and function (SIFT, PolyPhen-2, Align-GVGD) all suggest that this variant is likely to be disruptive. This variant has not been reported in the literature in individuals affected with ATP6V0A2-related conditions. This variant is not present in population databases (gnomAD no frequency). This sequence change replaces methionine, which is neutral and non-polar, with threonine, which is neutral and polar, at codon 457 of the ATP6V0A2 protein (p.Met457Thr).